The following is an entry in ClinVar:

NM_001035.3(RYR2):c.*980T>C

Gene: RYR2 (ryanodine receptor 2; plus strand). Cytogenetic location: 1q43.
Variant type: single nucleotide variant.
Coding change: c.*980T>C on transcript NM_001035.3 (MANE Select); 980 bases downstream of the stop codon, T replaced by C.
Molecular consequence: 3 prime UTR variant.
Genome position (GRCh38, 1-based): chr1:237,833,627, T>C. VCF-style: chr1-237833627-T-C. GRCh37 (hg19) VCF-style: chr1-237996927-T-C.
Identifiers: ClinVar variation 875924 (VCV000875924.4), dbSNP rs147077947, ClinGen allele CA39835650.

ClinVar aggregate classification (germline): Benign/Likely benign. Review status: criteria provided, single submitter (1 of 4 stars). 2 submissions from 1 submitter: Benign (1); Likely benign (1). Last evaluated 2018-01-13.

Conditions:
Arrhythmogenic right ventricular dysplasia 2. Identifiers: MedGen C1832931.
Catecholaminergic polymorphic ventricular tachycardia 1. Also called: RYR2-Related Catecholaminergic Polymorphic Ventricular Tachycardia; VENTRICULAR TACHYCARDIA, CATECHOLAMINERGIC POLYMORPHIC, 1, WITH OR WITHOUT ATRIAL DYSFUNCTION AND/OR DILATED CARDIOMYOPATHY; VENTRICULAR TACHYCARDIA, STRESS-INDUCED POLYMORPHIC 1. Identifiers: Orphanet 3286, MedGen C1631597, MONDO:0011484, OMIM 604772.

Allele frequency attached by ClinVar (database versions not stated): TOPMed 0.00032; 1000 Genomes Project 30x 0.00047; gnomAD 0.00052 and 0.00054; 1000 Genomes Project 0.00080; gnomAD exomes 0.00701.
gnomAD v4.1: 82 of 152,728 alleles (0.054%); highest among the groups gnomAD compares: Non-Finnish European, 0.079%; no homozygotes.

Submissions (2):

Illumina Laboratory Services, Illumina
Classification: Likely benign for Catecholaminergic polymorphic ventricular tachycardia 1. Last evaluated: 2018-01-13. Review status: criteria provided, single submitter. Criteria: ICSL Variant Classification Criteria 13 December 2019. Collection method: clinical testing. Allele origin: germline.
Comment: This variant was observed in the ICSL laboratory as part of a predisposition screen in an ostensibly healthy population. It had not been previously curated by ICSL or reported in the Human Gene Mutation Database (HGMD: prior to June 1st, 2018), and was therefore a candidate for classification through an automated scoring system. Utilizing variant allele frequency, disease prevalence and penetrance estimates, and inheritance mode, an automated score was calculated to assess if this variant is too frequent to cause the disease. Based on the score and internal cut-off values, a variant classified as likely benign is not then subjected to further curation. The score for this variant resulted in a classification of likely benign for this disease.

Illumina Laboratory Services, Illumina
Classification: Benign for Catecholaminergic polymorphic ventricular tachycardia 1. Last evaluated: 2018-01-13. Review status: criteria provided, single submitter. Criteria: ICSL Variant Classification Criteria 13 December 2019. Collection method: clinical testing. Allele origin: germline.
Comment: This variant was observed in the ICSL laboratory as part of a predisposition screen in an ostensibly healthy population. It had not been previously curated by ICSL or reported in the Human Gene Mutation Database (HGMD: prior to June 1st, 2018), and was therefore a candidate for classification through an automated scoring system. Utilizing variant allele frequency, disease prevalence and penetrance estimates, and inheritance mode, an automated score was calculated to assess if this variant is too frequent to cause the disease. Based on the score and internal cut-off values, a variant classified as benign is not then subjected to further curation. The score for this variant resulted in a classification of benign for this disease.